The following is an entry in ClinVar:

ClinVar aggregate classification (germline): Likely benign. Review status: criteria provided, single submitter (1 of 4 stars). 2 submissions from 2 submitters: Likely benign (1). 1 of the submissions does not count toward it. Last evaluated 2023-03-23.

Conditions:
Hereditary cancer-predisposing syndrome. Also called: Hereditary neoplastic syndrome; Neoplastic Syndromes, Hereditary; Tumor predisposition; Hereditary Cancer Syndrome. Identifiers: Orphanet 140162, MedGen C0027672, MeSH D009386, MONDO:0015356.
Breast neoplasm. Also called: Neoplasm of the breast; Neoplasm of breast; Breast tumor; Breast Neoplasms. Identifiers: MedGen C1458155, MeSH D001943, MONDO:0021100, HP:0100013. Disease mechanism: gain of function.

Submissions (2):

University of Washington Department of Laboratory Medicine, University of Washington
Classification: Likely benign for Hereditary cancer-predisposing syndrome. Last evaluated: 2023-03-23. Review status: criteria provided, single submitter. Criteria: Dines et al. (Genet Med. 2020). Collection method: curation. Allele origin: germline.
Comment: Missense variant in a coldspot region where missense variants are very unlikely to be pathogenic (PMID:31911673).

BRCA2 exon 11 coldspot. Reclassification based on statistical prior probability.

3DMed Clinical Laboratory Inc
Classification: Uncertain significance for Neoplasm of the breast. Last evaluated: 2017-04-10. Review status: no assertion criteria provided. Criteria: ACMG Guidelines, 2015. Collection method: clinical testing. Allele origin: germline. Affected: yes. Not counted in ClinVar's aggregate classification.

NM_000059.4(BRCA2):c.4639G>A (p.Asp1547Asn)

Gene: BRCA2 (BRCA2 DNA repair associated; plus strand). Cytogenetic location: 13q13.1.
Variant type: single nucleotide variant.
Coding change: c.4639G>A on transcript NM_000059.4 (MANE Select); coding-DNA position 4639, G replaced by A.
Protein change: p.Asp1547Asn; replaces aspartic acid 1547 with asparagine.
Molecular consequence: missense variant.
Genome position (GRCh38, 1-based): chr13:32,338,994, G>A. VCF-style: chr13-32338994-G-A. GRCh37 (hg19) VCF-style: chr13-32913131-G-A.
Other names: short protein forms D1547N.
Identifiers: ClinVar variation 559989 (VCV000559989.3), dbSNP rs1555283880, ClinGen allele CA387782133.
Genomic context (GRCh38, chr13:32,338,994, plus strand): 5'-GCTAGCGGGAAAAAAGTTAAAATTGCAAAGGAATCTTTGGACAAAGTGAAAAACCTTTTT[G>A]ATGAAAAAGAGCAAGGTACTAGTGAAATCACCAGTTTTAGCCATCAATGGGCAAAGACCC-3'
Protein context (NP_000050.3, residues 1537-1557): ESLDKVKNLF[Asp1547Asn]EKEQGTSEIT